The following is an entry in ClinVar:

ClinVar aggregate classification (germline): Uncertain significance. Review status: criteria provided, multiple submitters, no conflicts (2 of 4 stars). 3 submissions from 3 submitters: Uncertain significance (3). Last evaluated 2025-04-17.

Conditions:
Hereditary breast ovarian cancer syndrome. Also called: Hereditary breast and ovarian cancer syndrome; Breast and ovarian cancer; Hereditary breast and ovarian cancer syndrome (HBOC); Hereditary breast and/or ovarian cancer syndrome; BRCA1- and BRCA2-Associated Hereditary Breast and Ovarian Cancer; Hereditary breast and ovarian cancer. Identifiers: Orphanet 145, MedGen C0677776, MeSH D061325, MONDO:0003582. Disease mechanism: loss of function.
Hereditary cancer-predisposing syndrome. Also called: Neoplastic Syndromes, Hereditary; Hereditary neoplastic syndrome; Hereditary Cancer Syndrome; Tumor predisposition. Identifiers: Orphanet 140162, MedGen C0027672, MeSH D009386, MONDO:0015356.

Submissions (3):

Labcorp Genetics (formerly Invitae), Labcorp
Classification: Uncertain significance for Hereditary breast ovarian cancer syndrome. Last evaluated: 2025-04-17. Review status: criteria provided, single submitter. Criteria: Invitae Variant Classification Sherloc (09022015). Collection method: clinical testing. Allele origin: germline.
Comment: This sequence change replaces tyrosine, which is neutral and polar, with histidine, which is basic and polar, at codon 3035 of the BRCA2 protein (p.Tyr3035His). This variant is not present in population databases (gnomAD no frequency). This variant has not been reported in the literature in individuals affected with BRCA2-related conditions. ClinVar contains an entry for this variant (Variation ID: 1195448). Invitae Evidence Modeling of protein sequence and biophysical properties (such as structural, functional, and spatial information, amino acid conservation, physicochemical variation, residue mobility, and thermodynamic stability) indicates that this missense variant is not expected to disrupt BRCA2 protein function with a negative predictive value of 95%. In summary, the available evidence is currently insufficient to determine the role of this variant in disease. Therefore, it has been classified as a Variant of Uncertain Significance.

Ambry Genetics
Classification: Uncertain significance for Hereditary cancer-predisposing syndrome. Last evaluated: 2023-08-12. Review status: criteria provided, single submitter. Criteria: Ambry Variant Classification Scheme 2023. Collection method: clinical testing. Allele origin: germline.
Comment: The p.Y3035H variant (also known as c.9103T>C), located in coding exon 22 of the BRCA2 gene, results from a T to C substitution at nucleotide position 9103. The tyrosine at codon 3035 is replaced by histidine, an amino acid with similar properties. This amino acid position is conserved. In addition, the in silico prediction for this alteration is inconclusive. Since supporting evidence is limited at this time, the clinical significance of this alteration remains unclear.

GeneDx
Classification: Uncertain significance. Last evaluated: 2020-12-17. Review status: criteria provided, single submitter. Criteria: GeneDx Variant Classification Process June 2021. Collection method: clinical testing. Allele origin: germline. Affected: yes.
Comment: Not observed in large population cohorts (Lek 2016); In silico analysis supports that this missense variant does not alter protein structure/function; Has not been previously published as pathogenic or benign to our knowledge; Also known as 9331T>C

NM_000059.4(BRCA2):c.9103T>C (p.Tyr3035His)

Gene: BRCA2 (BRCA2 DNA repair associated; plus strand). Cytogenetic location: 13q13.1.
Variant type: single nucleotide variant.
Coding change: c.9103T>C on transcript NM_000059.4 (MANE Select); coding-DNA position 9103, T replaced by C.
Protein change: p.Tyr3035His; replaces tyrosine 3035 with histidine.
Molecular consequence: missense variant.
Genome position (GRCh38, 1-based): chr13:32,379,899, T>C. VCF-style: chr13-32379899-T-C. GRCh37 (hg19) VCF-style: chr13-32954036-T-C.
Other names: short protein forms Y3035H.
Identifiers: ClinVar variation 1195448 (VCV001195448.5), dbSNP rs2137623691, ClinGen allele CA387757701.